The following is an entry in ClinVar:

ClinVar aggregate classification (germline): Uncertain significance (1 of 4 stars; one submission).

Conditions:
Autosomal recessive limb-girdle muscular dystrophy type 2J (LGMDR10). Also called: Limb-girdle muscular dystrophy, type 2J; MUSCULAR DYSTROPHY, LIMB-GIRDLE, AUTOSOMAL RECESSIVE 10. Identifiers: Orphanet 140922, MedGen C1837342, MONDO:0012127, OMIM 608807.
Dilated cardiomyopathy 1G (CMD1G). Identifiers: Orphanet 154, MedGen C1858763, MONDO:0011400, OMIM 604145.

Submission:

Labcorp Genetics (formerly Invitae), Labcorp
Classification: Uncertain significance for Dilated cardiomyopathy 1G; Autosomal recessive limb-girdle muscular dystrophy type 2J. Last evaluated: 2023-10-18. Review status: criteria provided, single submitter. Criteria: Invitae Variant Classification Sherloc (09022015). Collection method: clinical testing. Allele origin: germline.
Comment: This sequence change replaces glutamic acid, which is acidic and polar, with glutamine, which is neutral and polar, at codon 34528 of the TTN protein (p.Glu34528Gln). This variant is not present in population databases (gnomAD no frequency). This variant has not been reported in the literature in individuals affected with TTN-related conditions. Experimental studies and prediction algorithms are not available or were not evaluated, and the functional significance of this variant is currently unknown. This variant is located in the M band of TTN (PMID: 25589632). Variants in this region may be relevant for neuromuscular disorders, but have not been definitively shown to cause cardiomyopathy (PMID: 23975875). In summary, the available evidence is currently insufficient to determine the role of this variant in disease. Therefore, it has been classified as a Variant of Uncertain Significance.

Literature cited by the submitters: PubMed 25589632; PubMed 23975875.

NM_001267550.2(TTN):c.103582G>C (p.Glu34528Gln)

Genes: TTN (titin; minus strand), TTN-AS1 (TTN antisense RNA 1; plus strand). Cytogenetic location: 2q31.2.
Variant type: single nucleotide variant.
Coding change: c.103582G>C on transcript NM_001267550.2 (MANE Select); coding-DNA position 103582, G replaced by C.
Protein change: p.Glu34528Gln; replaces glutamic acid 34528 with glutamine.
Molecular consequence: missense variant.
Genome position (GRCh38, 1-based): chr2:178,533,033, C>G on the plus strand (G>C on the coding strand, the complement: TTN is on the minus strand). VCF-style: chr2-178533033-C-G. GRCh37 (hg19) VCF-style: chr2-179397760-C-G.
Other names: c.98659G>C, p.Glu32887Gln (NM_001256850.1); c.76387G>C, p.Glu25463Gln (NM_003319.4); c.95878G>C, p.Glu31960Gln (NM_133378.4); c.76762G>C, p.Glu25588Gln (NM_133432.3); c.76963G>C, p.Glu25655Gln (NM_133437.4); short protein forms E25655Q, E31960Q, E25463Q, E25588Q, E32887Q, E34528Q.
Identifiers: ClinVar variation 2953067 (VCV002953067.3), dbSNP rs2154134838, ClinGen allele CA349413968.